The following is an entry in ClinVar:

ClinVar aggregate classification (germline): Conflicting classifications of pathogenicity. Review status: criteria provided, conflicting classifications (1 of 4 stars). 3 submissions from 3 submitters: Uncertain significance (1); Likely benign (2). Last evaluated 2025-10-27.

Conditions:
Cardiomyopathy (CMYO). Also called: Cardiomyopathies. Identifiers: Orphanet 167848, MedGen C0878544, MONDO:0004994, HP:0001638. Inheritance: Various modes of inheritance.
Cardiovascular phenotype. Identifiers: MedGen CN230736.
Hypertrophic cardiomyopathy. Also called: HYPERTROPHIC MYOCARDIOPATHY. Identifiers: Orphanet 217569, MedGen C0007194, MeSH D002312, MONDO:0005045, HP:0001639.

Allele frequency attached by ClinVar (database versions not stated): ExAC 0.00001; gnomAD 0.00001; gnomAD exomes 0.00001; TOPMed 0.00002.
gnomAD v4.1: 15 of 1,613,956 alleles (0.00093%); highest among the groups gnomAD compares: Non-Finnish European, 0.0013%; no homozygotes.

Submissions (3):

Labcorp Genetics (formerly Invitae), Labcorp
Classification: Likely benign for Hypertrophic cardiomyopathy. Last evaluated: 2025-10-27. Review status: criteria provided, single submitter. Criteria: Invitae Variant Classification Sherloc (09022015). Collection method: clinical testing. Allele origin: germline.

Ambry Genetics
Classification: Uncertain significance for Cardiovascular phenotype. Last evaluated: 2025-03-20. Review status: criteria provided, single submitter. Criteria: Ambry Variant Classification Scheme 2023. Collection method: clinical testing. Allele origin: germline.
Comment: The c.2045-5C>T intronic variant results from a C to T substitution 5 nucleotides upstream from coding exon 17 in the MYH7 gene. This nucleotide position is well conserved in available vertebrate species. In silico splice site analysis predicts that this alteration will not have any significant effect on splicing. Based on the available evidence, the clinical significance of this variant remains unclear.

Color Diagnostics, LLC DBA Color Health
Classification: Likely benign for Cardiomyopathy. Last evaluated: 2019-11-11. Review status: criteria provided, single submitter. Criteria: ACMG Guidelines, 2015. Collection method: clinical testing. Allele origin: germline.

NM_000257.4(MYH7):c.2045-5C>T

Gene: MYH7 (myosin heavy chain 7; minus strand). Cytogenetic location: 14q11.2.
Variant type: single nucleotide variant.
Coding change: c.2045-5C>T on transcript NM_000257.4 (MANE Select); 5 bases into the intron before coding-DNA position 2045, C replaced by T.
Molecular consequence: intron variant.
Genome position (GRCh38, 1-based): chr14:23,426,086, G>A on the plus strand (C>T on the coding strand, the complement: MYH7 is on the minus strand). VCF-style: chr14-23426086-G-A. GRCh37 (hg19) VCF-style: chr14-23895295-G-A.
Other names: c.2045-5C>T (NM_001407004.1).
Identifiers: ClinVar variation 2909026 (VCV002909026.5), dbSNP rs776807873, ClinGen allele CA031078.
Genomic context (GRCh38, chr14:23,426,086, plus strand): 5'-CTCCAGCACACCATTGCAGCGCAGCTGGTGCATGACCAGGGGGTTGTCCATCACCCCTGT[G>A]GCAAGAAGGAAGTAGGAGGAGTCTGTGAGAACACTGGACTGAAGTTCTGGGTTCTGATCC-3'